The following is an entry in ClinVar:

NM_004958.4(MTOR):c.637C>G (p.Leu213Val)

Gene: MTOR (mechanistic target of rapamycin kinase; minus strand). Cytogenetic location: 1p36.22.
Variant type: single nucleotide variant.
Coding change: c.637C>G on transcript NM_004958.4 (MANE Select); coding-DNA position 637, C replaced by G.
Protein change: p.Leu213Val; replaces leucine 213 with valine.
Molecular consequence: missense variant. On other transcripts: 5 prime UTR variant (1).
Genome position (GRCh38, 1-based): chr1:11,256,060, G>C on the plus strand (C>G on the coding strand, the complement: MTOR is on the minus strand). VCF-style: chr1-11256060-G-C. GRCh37 (hg19) VCF-style: chr1-11316117-G-C.
Other names: c.637C>G, p.Leu213Val (NM_001386500.1); c.-503C>G (NM_001386501.1); short protein forms L213V.
Identifiers: ClinVar variation 4282207 (VCV004282207.1).

ClinVar aggregate classification (germline): Uncertain significance (1 of 4 stars; one submission).

Submission:

GeneDx
Classification: Uncertain significance. Last evaluated: 2025-04-15. Review status: criteria provided, single submitter. Criteria: GeneDx Variant Classification Process June 2021. Collection method: clinical testing. Allele origin: germline. Affected: yes.
Comment: Not observed at significant frequency in large population cohorts (gnomAD); In silico analysis supports that this missense variant has a deleterious effect on protein structure/function; Has not been previously published as pathogenic or benign to our knowledge.